The following is an entry in ClinVar:

NM_001101362.3(KBTBD13):c.1222dup (p.Arg408fs)

Gene: KBTBD13 (kelch repeat and BTB domain containing 13; plus strand). Cytogenetic location: 15q22.31.
Variant type: Duplication.
Coding change: c.1222dup on transcript NM_001101362.3 (MANE Select); coding-DNA position 1222, one base duplicated (C; older notation c.1222dupC).
Protein change: p.Arg408fs; shifts the reading frame from arginine 408.
Molecular consequence: frameshift variant.
Genome position (GRCh38, 1-based): chr15:65,078,037, C duplicated; the last of 2 consecutive C bases (chr15:65,078,036-65,078,037); duplicating either gives the same sequence. VCF-style (leftmost placement, unchanged base first): chr15-65078035-A-AC. GRCh37 (hg19) VCF-style: chr15-65370373-A-AC.
Other names: short protein forms R408fs.
Identifiers: ClinVar variation 2110402 (VCV002110402.4), dbSNP rs1009852603, ClinGen allele CA271504861.

ClinVar aggregate classification (germline): Uncertain significance (1 of 4 stars; one submission).

Conditions:
Nemaline myopathy 6 (NEM6). Also called: Nemaline myopathy 6, autosomal dominant. Identifiers: Orphanet 171439, MedGen C1836472, MONDO:0012237, OMIM 609273.

Submission:

Labcorp Genetics (formerly Invitae), Labcorp
Classification: Uncertain significance for Nemaline myopathy 6. Last evaluated: 2022-09-06. Review status: criteria provided, single submitter. Criteria: Invitae Variant Classification Sherloc (09022015). Collection method: clinical testing. Allele origin: germline.
Comment: In summary, the available evidence is currently insufficient to determine the role of this variant in disease. Therefore, it has been classified as a Variant of Uncertain Significance. Experimental studies and prediction algorithms are not available or were not evaluated, and the functional significance of this variant is currently unknown. This variant has not been reported in the literature in individuals affected with KBTBD13-related conditions. This variant is not present in population databases (gnomAD no frequency). This sequence change creates a premature translational stop signal (p.Arg408Profs*72) in the KBTBD13 gene. While this is not anticipated to result in nonsense mediated decay, it is expected to disrupt the last 51 amino acid(s) of the KBTBD13 protein.